The following is an entry in ClinVar:

ClinVar aggregate classification (germline): Uncertain significance (1 of 4 stars; one submission).

Conditions:
Inborn genetic diseases. Identifiers: MedGen C0950123, MeSH D030342.

Allele frequency attached by ClinVar (database versions not stated): ExAC 0.00002; gnomAD 0.00005; TOPMed 0.00006.
gnomAD v4.1: 20 of 1,613,460 alleles (0.0012%); highest among the groups gnomAD compares: African/African-American, 0.025%; no homozygotes.

Submission:

Ambry Genetics
Classification: Uncertain significance for Inborn genetic diseases. Last evaluated: 2020-10-22. Review status: criteria provided, single submitter. Criteria: Ambry Variant Classification Scheme 2023. Collection method: clinical testing. Allele origin: germline.
Comment: The c.955A>C (p.K319Q) alteration is located in exon 13 (coding exon 13) of the VPS13C gene. This alteration results from an A to C substitution at nucleotide position 955, causing the lysine (K) at amino acid position 319 to be replaced by a glutamine (Q). Based on data from the Genome Aggregation Database (gnomAD) database, the VPS13C c.955A>C alteration was observed in <0.01% (7/282368) of total alleles studied, with a frequency of 0.03% (7/24948) in the African subpopulation. This amino acid position is highly conserved in available vertebrate species. The p.K319Q alteration is predicted to be tolerated by in silico analysis. Based on insufficient or conflicting evidence, the clinical significance of this alteration remains unclear.

NM_020821.3(VPS13C):c.955A>C (p.Lys319Gln)

Gene: VPS13C (vacuolar protein sorting 13 homolog C; minus strand). Cytogenetic location: 15q22.2.
Variant type: single nucleotide variant.
Coding change: c.955A>C on transcript NM_020821.3 (MANE Select); coding-DNA position 955, A replaced by C.
Protein change: p.Lys319Gln; replaces lysine 319 with glutamine.
Molecular consequence: missense variant.
Genome position (GRCh38, 1-based): chr15:62,010,528, T>G on the plus strand (A>C on the coding strand, the complement: VPS13C is on the minus strand). VCF-style: chr15-62010528-T-G. GRCh37 (hg19) VCF-style: chr15-62302727-T-G.
Other names: c.955A>C, p.Lys319Gln (NM_001018088.3); c.826A>C, p.Lys276Gln (NM_017684.5, NM_018080.4); short protein forms K319Q, K276Q.
Identifiers: ClinVar variation 2412108 (VCV002412108.2), dbSNP rs757454342, ClinGen allele CA7597283.